The following is an entry in ClinVar:

ClinVar aggregate classification (germline): Uncertain significance. Review status: criteria provided, multiple submitters, no conflicts (2 of 4 stars). 2 submissions from 2 submitters: Uncertain significance (2). Last evaluated 2025-09-27.

Conditions:
Hereditary cancer-predisposing syndrome. Also called: Neoplastic Syndromes, Hereditary; Tumor predisposition; Hereditary Cancer Syndrome; Hereditary neoplastic syndrome. Identifiers: Orphanet 140162, MedGen C0027672, MeSH D009386, MONDO:0015356.

Allele frequency attached by ClinVar (database versions not stated): gnomAD exomes below 0.00001.
gnomAD v4.1: 3 of 1,614,080 alleles (0.00019%); highest among the groups gnomAD compares: African/African-American, 0.0013%; no homozygotes.

Submissions (2):

Labcorp Genetics (formerly Invitae), Labcorp
Classification: Uncertain significance. Last evaluated: 2025-09-27. Review status: criteria provided, single submitter. Criteria: Invitae Variant Classification Sherloc (09022015). Collection method: clinical testing. Allele origin: germline.
Comment: This sequence change replaces glutamine, which is neutral and polar, with arginine, which is basic and polar, at codon 1180 of the POLE protein (p.Gln1180Arg). This variant is present in population databases (no rsID available, gnomAD 0.007%). This variant has not been reported in the literature in individuals affected with POLE-related conditions. ClinVar contains an entry for this variant (Variation ID: 473600). Invitae Evidence Modeling of protein sequence and biophysical properties (such as structural, functional, and spatial information, amino acid conservation, physicochemical variation, residue mobility, and thermodynamic stability) indicates that this missense variant is expected to disrupt POLE protein function with a positive predictive value of 80%. In summary, the available evidence is currently insufficient to determine the role of this variant in disease. Therefore, it has been classified as a Variant of Uncertain Significance.

Ambry Genetics
Classification: Uncertain significance for Hereditary cancer-predisposing syndrome. Last evaluated: 2025-03-07. Review status: criteria provided, single submitter. Criteria: Ambry Variant Classification Scheme 2023. Collection method: clinical testing. Allele origin: germline.
Comment: The p.Q1180R variant (also known as c.3539A>G), located in coding exon 29 of the POLE gene, results from an A to G substitution at nucleotide position 3539. The glutamine at codon 1180 is replaced by arginine, an amino acid with highly similar properties. This amino acid position is highly conserved in available vertebrate species. In addition, the in silico prediction for this alteration is inconclusive. Based on the available evidence, the clinical significance of this variant remains unclear.

NM_006231.4(POLE):c.3539A>G (p.Gln1180Arg)

Gene: POLE (DNA polymerase epsilon, catalytic subunit; minus strand). Cytogenetic location: 12q24.33.
Variant type: single nucleotide variant.
Coding change: c.3539A>G on transcript NM_006231.4 (MANE Select); coding-DNA position 3539, A replaced by G.
Protein change: p.Gln1180Arg; replaces glutamine 1180 with arginine.
Molecular consequence: missense variant.
Genome position (GRCh38, 1-based): chr12:132,657,179, T>C on the plus strand (A>G on the coding strand, the complement: POLE is on the minus strand). VCF-style: chr12-132657179-T-C. GRCh37 (hg19) VCF-style: chr12-133233765-T-C.
Other names: c.3539A>G (NM_006231.2); short protein forms Q1180R.
Identifiers: ClinVar variation 473600 (VCV000473600.9), dbSNP rs1311314922, ClinGen allele CA387388463.